The following is an entry in ClinVar:

ClinVar aggregate classification (germline): Likely benign (1 of 4 stars; one submission).

Conditions:
Leigh syndrome (NULS). Also called: Leigh's necrotizing encephalopathy; Leigh's disease; Leigh's syndrome; LEIGH SYNDROME, NUCLEAR; Leigh Syndrome (mtDNA deletion); Leigh Disease. Identifiers: Orphanet 506, MedGen C2931891, MONDO:0009723, OMIM 256000.

Submission:

Wong Mito Lab, Molecular and Human Genetics, Baylor College of Medicine
Classification: Likely benign for Leigh syndrome. Last evaluated: 2019-10-17. Review status: criteria provided, single submitter. Criteria: Modified ACMG Guidelines (Unpublished). Collection method: clinical testing. Allele origin: germline.
Comment: The NC_012920.1:m.13790A>G (YP_003024036.1:p.Tyr485Cys) variant in MTND5 gene is interpretated to be a Likely Benign variant based on the modified ACMG guidelines (unpublished). This variant meets the following evidence codes: BS1, BP6

NC_012920.1(MT-ND5):m.13790A>G

Gene: MT-ND5 (mitochondrially encoded NADH dehydrogenase 5; plus strand).
Variant type: single nucleotide variant.
Genome position: chrM-13790-A-G.
Identifiers: ClinVar variation 693611 (VCV000693611.1), dbSNP rs1556424326, ClinGen allele CA414819533.